The following is an entry in ClinVar:

NM_152703.5(SAMD9L):c.2267G>C (p.Trp756Ser)

Gene: SAMD9L (sterile alpha motif domain containing 9 like; minus strand). Cytogenetic location: 7q21.2.
Variant type: single nucleotide variant.
Coding change: c.2267G>C on transcript NM_152703.5 (MANE Select); coding-DNA position 2267, G replaced by C.
Protein change: p.Trp756Ser; replaces tryptophan 756 with serine.
Molecular consequence: missense variant.
Genome position (GRCh38, 1-based): chr7:93,133,705, C>G on the plus strand (G>C on the coding strand, the complement: SAMD9L is on the minus strand). VCF-style: chr7-93133705-C-G. GRCh37 (hg19) VCF-style: chr7-92763018-C-G.
Other names: c.2267G>C, p.Trp756Ser (NM_001303496.3, NM_001303497.3, NM_001303498.3 and 5 more transcripts); short protein forms W756S.
Identifiers: ClinVar variation 3949926 (VCV003949926.1).
Genomic context (GRCh38, chr7:93,133,705, plus strand): 5'-TCTGCAAAATCAGTTGTCTTGTTTTTTAACACAGCACATCTGAAGTTTTTCTTTAAGTCC[C>G]AGAGAACATGCATAGCCAGTGTGGTACCTCCACAGCCTGGATGATGATAAAGATTGATGA-3'
Protein context (NP_689916.2, residues 746-766): GGTTLAMHVL[Trp756Ser]DLKKNFRCAV

ClinVar aggregate classification (germline): Uncertain significance (1 of 4 stars; one submission).

Conditions:
Inborn genetic diseases. Identifiers: MedGen C0950123, MeSH D030342.

gnomAD v4.1: 5 of 1,613,396 alleles (0.00031%); highest among the groups gnomAD compares: Non-Finnish European, 0.00042%; no homozygotes.

Submission:

Ambry Genetics
Classification: Uncertain significance for Inborn genetic diseases. Last evaluated: 2025-05-17. Review status: criteria provided, single submitter. Criteria: Ambry Variant Classification Scheme 2023. Collection method: clinical testing. Allele origin: germline.
Comment: The p.W756S variant (also known as c.2267G>C), located in coding exon 1 of the SAMD9L gene, results from a G to C substitution at nucleotide position 2267. The tryptophan at codon 756 is replaced by serine, an amino acid with highly dissimilar properties. This amino acid position is conserved. In addition, this alteration is predicted to be deleterious by in silico analysis. Based on the available evidence, the clinical significance of this variant remains unclear.